The following is an entry in ClinVar:

NM_025215.6(PUS1):c.880A>T (p.Ile294Phe)

Gene: PUS1 (pseudouridine synthase 1; plus strand). Cytogenetic location: 12q24.33.
Variant type: single nucleotide variant.
Coding change: c.880A>T on transcript NM_025215.6 (MANE Select); coding-DNA position 880, A replaced by T.
Protein change: p.Ile294Phe; replaces isoleucine 294 with phenylalanine.
Molecular consequence: missense variant.
Genome position (GRCh38, 1-based): chr12:131,941,627, A>T. VCF-style: chr12-131941627-A-T. GRCh37 (hg19) VCF-style: chr12-132426172-A-T.
Other names: c.796A>T, p.Ile266Phe (NM_001002019.3, NM_001002020.3); short protein forms I294F, I266F.
Identifiers: ClinVar variation 2011141 (VCV002011141.4), dbSNP rs754539632, ClinGen allele CA6884261.

ClinVar aggregate classification (germline): Uncertain significance (1 of 4 stars; one submission).

Allele frequency attached by ClinVar (database versions not stated): ExAC 0.00001.

Submission:

Labcorp Genetics (formerly Invitae), Labcorp
Classification: Uncertain significance. Last evaluated: 2022-06-26. Review status: criteria provided, single submitter. Criteria: Invitae Variant Classification Sherloc (09022015). Collection method: clinical testing. Allele origin: germline.
Comment: This sequence change replaces isoleucine, which is neutral and non-polar, with phenylalanine, which is neutral and non-polar, at codon 294 of the PUS1 protein (p.Ile294Phe). In summary, the available evidence is currently insufficient to determine the role of this variant in disease. Therefore, it has been classified as a Variant of Uncertain Significance. Algorithms developed to predict the effect of missense changes on protein structure and function are either unavailable or do not agree on the potential impact of this missense change (SIFT: "Deleterious"; PolyPhen-2: "Probably Damaging"; Align-GVGD: "Class C0"). This variant has not been reported in the literature in individuals affected with PUS1-related conditions. This variant is present in population databases (rs754539632, gnomAD 0.0009%).